The following is an entry in ClinVar:

ClinVar aggregate classification (germline): Uncertain significance (1 of 4 stars; one submission).

Conditions:
CHARGE syndrome (CHARGE). Also called: Hittner Hirsch Kreh syndrome; CHARGE ASSOCIATION--COLOBOMA, HEART ANOMALY, CHOANAL ATRESIA, RETARDATION, GENITAL AND EAR ANOMALIES; Coloboma, heart anomaly, choanal atresia, retardation, genital and ear anomalies; CHARGE association; Hall-Hittner syndrome. Identifiers: Orphanet 138, MedGen C0265354, MONDO:0008965.

Allele frequency attached by ClinVar (database versions not stated): TOPMed below 0.00001; gnomAD exomes 0.00001.
gnomAD v4.1: 9 of 1,613,878 alleles (0.00056%); highest among the groups gnomAD compares: Non-Finnish European, 0.00076%; no homozygotes.

Submission:

Labcorp Genetics (formerly Invitae), Labcorp
Classification: Uncertain significance for CHARGE syndrome. Last evaluated: 2023-07-17. Review status: criteria provided, single submitter. Criteria: Invitae Variant Classification Sherloc (09022015). Collection method: clinical testing. Allele origin: germline.
Comment: This variant has not been reported in the literature in individuals affected with CHD7-related conditions. In summary, the available evidence is currently insufficient to determine the role of this variant in disease. Therefore, it has been classified as a Variant of Uncertain Significance. Advanced modeling of protein sequence and biophysical properties (such as structural, functional, and spatial information, amino acid conservation, physicochemical variation, residue mobility, and thermodynamic stability) performed at Invitae indicates that this missense variant is not expected to disrupt CHD7 protein function. ClinVar contains an entry for this variant (Variation ID: 1358951). This variant is not present in population databases (gnomAD no frequency). This sequence change replaces aspartic acid, which is acidic and polar, with glutamic acid, which is acidic and polar, at codon 1938 of the CHD7 protein (p.Asp1938Glu).

NM_017780.4(CHD7):c.5814C>A (p.Asp1938Glu)

Gene: CHD7 (chromodomain helicase DNA binding protein 7; plus strand). Cytogenetic location: 8q12.2.
Variant type: single nucleotide variant.
Coding change: c.5814C>A on transcript NM_017780.4 (MANE Select); coding-DNA position 5814, C replaced by A.
Protein change: p.Asp1938Glu; replaces aspartic acid 1938 with glutamic acid.
Molecular consequence: missense variant. On other transcripts: intron variant (1).
Genome position (GRCh38, 1-based): chr8:60,852,167, C>A. VCF-style: chr8-60852167-C-A. GRCh37 (hg19) VCF-style: chr8-61764726-C-A.
Other names: c.1717-10062C>A (NM_001316690.1); short protein forms D1938E.
Identifiers: ClinVar variation 1358951 (VCV001358951.6), dbSNP rs1805481811, ClinGen allele CA371323030.